The following is an entry in ClinVar:

NM_014112.5(TRPS1):c.2716G>A (p.Gly906Ser)

Gene: TRPS1 (transcriptional repressor GATA binding 1; minus strand). Cytogenetic location: 8q23.3.
Variant type: single nucleotide variant.
Coding change: c.2716G>A on transcript NM_014112.5 (MANE Select); coding-DNA position 2716, G replaced by A.
Protein change: p.Gly906Ser; replaces glycine 906 with serine.
Molecular consequence: missense variant.
Genome position (GRCh38, 1-based): chr8:115,418,437, C>T on the plus strand (G>A on the coding strand, the complement: TRPS1 is on the minus strand). VCF-style: chr8-115418437-C-T. GRCh37 (hg19) VCF-style: chr8-116430665-C-T.
Other names: c.2689G>A, p.Gly897Ser (NM_001282902.3); c.2695G>A, p.Gly899Ser (NM_001282903.3); c.2677G>A, p.Gly893Ser (NM_001330599.2); short protein forms G893S, G897S, G906S, G899S.
Identifiers: ClinVar variation 4828705 (VCV004828705.1).

ClinVar aggregate classification (germline): Uncertain significance (1 of 4 stars; one submission).

Conditions:
Inborn genetic diseases. Identifiers: MedGen C0950123, MeSH D030342.

gnomAD v4.1: 4 of 1,614,078 alleles (0.00025%); highest among the groups gnomAD compares: East Asian, 0.0045%; no homozygotes.

Submission:

Ambry Genetics
Classification: Uncertain significance for Inborn genetic diseases. Last evaluated: 2026-01-14. Review status: criteria provided, single submitter. Criteria: Ambry Variant Classification Scheme 2023. Collection method: clinical testing. Allele origin: germline.
Comment: The c.2716G>A (p.G906S) alteration is located in exon 6 (coding exon 5) of the TRPS1 gene. This alteration results from a G to A substitution at nucleotide position 2716, causing the glycine (G) at amino acid position 906 to be replaced by a serine (S). Based on data from gnomAD, the A allele has an overall frequency of 0.001% (2/249460) total alleles studied. The highest observed frequency was 0.011% (2/17976) of East Asian alleles. Based on insufficient or conflicting evidence, the clinical significance of this alteration remains unclear.